The following is an entry in ClinVar:

ClinVar aggregate classification (germline): Uncertain significance (1 of 4 stars; one submission).

Allele frequency attached by ClinVar (database versions not stated): gnomAD exomes below 0.00001.
gnomAD v4.1: 2 of 1,612,786 alleles (0.00012%); highest among the groups gnomAD compares: East Asian, 0.0022%; no homozygotes.

Submission:

Labcorp Genetics (formerly Invitae), Labcorp
Classification: Uncertain significance. Last evaluated: 2025-12-30. Review status: criteria provided, single submitter. Criteria: Invitae Variant Classification Sherloc (09022015). Collection method: clinical testing. Allele origin: germline.
Comment: This sequence change replaces lysine, which is basic and polar, with arginine, which is basic and polar, at codon 948 of the SIN3A protein (p.Lys948Arg). This variant is present in population databases (no rsID available, gnomAD 0.006%). This variant has not been reported in the literature in individuals affected with SIN3A-related conditions. ClinVar contains an entry for this variant (Variation ID: 858228). Invitae Evidence Modeling of protein sequence and biophysical properties (such as structural, functional, and spatial information, amino acid conservation, physicochemical variation, residue mobility, and thermodynamic stability) indicates that this missense variant is not expected to disrupt SIN3A protein function with a negative predictive value of 80%. In summary, the available evidence is currently insufficient to determine the role of this variant in disease. Therefore, it has been classified as a Variant of Uncertain Significance.

NM_001145358.2(SIN3A):c.2843A>G (p.Lys948Arg)

Gene: SIN3A (SIN3 transcription regulator family member A; minus strand). Cytogenetic location: 15q24.2.
Variant type: single nucleotide variant.
Coding change: c.2843A>G on transcript NM_001145358.2 (MANE Select); coding-DNA position 2843, A replaced by G.
Protein change: p.Lys948Arg; replaces lysine 948 with arginine.
Molecular consequence: missense variant.
Genome position (GRCh38, 1-based): chr15:75,392,250, T>C on the plus strand (A>G on the coding strand, the complement: SIN3A is on the minus strand). VCF-style: chr15-75392250-T-C. GRCh37 (hg19) VCF-style: chr15-75684591-T-C.
Other names: c.2843A>G, p.Lys948Arg (NM_001145357.2, NM_015477.3); short protein forms K948R.
Identifiers: ClinVar variation 858228 (VCV000858228.9), dbSNP rs1323845790, ClinGen allele CA393490323.